The following is an entry in ClinVar:

ClinVar aggregate classification (germline): Likely benign. Review status: criteria provided, single submitter (1 of 4 stars). 2 submissions from 2 submitters: Likely benign (1). 1 of the submissions does not count toward it. Last evaluated 2023-10-30.

Conditions:
EDNRB-related disorder. Also called: EDNRB-related disorders; EDNRB-related condition.

gnomAD v4.1: 392 of 1,611,820 alleles (0.024%); highest among the groups gnomAD compares: Non-Finnish European, 0.032%; no homozygotes.

Submissions (2):

Blueprint Genetics
Classification: Likely benign. Last evaluated: 2023-10-30. Review status: criteria provided, single submitter. Criteria: ACMG Guidelines, 2015. Collection method: clinical testing. Allele origin: germline.

PreventionGenetics, part of Exact Sciences
Classification: Likely benign for EDNRB-related condition. Last evaluated: 2024-08-05. Review status: no assertion criteria provided. Collection method: clinical testing. Allele origin: germline. Not counted in ClinVar's aggregate classification.
Comment: This variant is classified as likely benign based on ACMG/AMP sequence variant interpretation guidelines (Richards et al. 2015 PMID: 25741868, with internal and published modifications).

NM_001201397.2(EDNRB):c.46C>A (p.Arg16=)

Genes: EDNRB (endothelin receptor type B; minus strand), LOC107882129 (EDNRB proximal promoter region; plus strand). Cytogenetic location: 13q22.3.
Variant type: single nucleotide variant.
Coding change: c.46C>A on transcript NM_001201397.2; coding-DNA position 46, C replaced by A.
Protein change: p.Arg16=; no amino-acid change (arginine 16 retained).
Molecular consequence: synonymous variant. On other transcripts: intron variant (1).
Genome position (GRCh38, 1-based): chr13:77,919,570, G>T on the plus strand (C>A on the coding strand, the complement: EDNRB is on the minus strand). VCF-style: chr13-77919570-G-T. GRCh37 (hg19) VCF-style: chr13-78493705-G-T.
Other names: c.-51-946C>A (NM_000115.5).
Identifiers: ClinVar variation 3355414 (VCV003355414.2).